The following is an entry in ClinVar:

NM_001626.6(AKT2):c.1090A>G (p.Met364Val)

Gene: AKT2 (AKT serine/threonine kinase 2; minus strand). Cytogenetic location: 19q13.2.
Variant type: single nucleotide variant.
Coding change: c.1090A>G on transcript NM_001626.6 (MANE Select); coding-DNA position 1090, A replaced by G.
Protein change: p.Met364Val; replaces methionine 364 with valine.
Molecular consequence: missense variant.
Genome position (GRCh38, 1-based): chr19:40,235,975, T>C on the plus strand (A>G on the coding strand, the complement: AKT2 is on the minus strand). VCF-style: chr19-40235975-T-C. GRCh37 (hg19) VCF-style: chr19-40741882-T-C.
Other names: c.904A>G, p.Met302Val (NM_001243027.3, NM_001243028.3); c.961A>G, p.Met321Val (NM_001330511.1); short protein forms M302V, M321V, M364V.
Identifiers: ClinVar variation 2043577 (VCV002043577.4), dbSNP rs1568518681, ClinGen allele CA405866251.
Genomic context (GRCh38, chr19:40,235,975, plus strand): 5'-GCCCAGCAAGCAGGGACTTGGCCTCGGGGCTGAGCGTGCGCGGGAAGCGGATCTCTTCCA[T>C]GAGGATGAGCTCGAAGAGGCGCTCGTGGTCCTGGTTGTAGAAGGGCAGGCGGCCGCACAT-3'
Protein context (NP_001617.1, residues 354-374): DHERLFELIL[Met364Val]EEIRFPRTLS

ClinVar aggregate classification (germline): Uncertain significance (1 of 4 stars; one submission).

Conditions:
Type 2 diabetes mellitus. Also called: Type II diabetes mellitus. Identifiers: MedGen C0011860, MeSH D003924, MONDO:0005148, OMIM 125853, HP:0005978.
Hypoinsulinemic hypoglycemia and body hemihypertrophy. Also called: Hypoinsulinemic hypoglycemia and hemihypertrophy. Identifiers: Orphanet 293964, MedGen C3278384, MONDO:0009416, OMIM 240900.

Allele frequency attached by ClinVar (database versions not stated): gnomAD exomes below 0.00001.
gnomAD v4.1: 1 of 1,614,016 alleles (0.000062%); highest among the groups gnomAD compares: Admixed American, 0.0017%; no homozygotes.

Submission:

Labcorp Genetics (formerly Invitae), Labcorp
Classification: Uncertain significance for Hypoinsulinemic hypoglycemia and body hemihypertrophy; Type 2 diabetes mellitus. Last evaluated: 2021-12-20. Review status: criteria provided, single submitter. Criteria: Invitae Variant Classification Sherloc (09022015). Collection method: clinical testing. Allele origin: germline.
Comment: This sequence change replaces methionine, which is neutral and non-polar, with valine, which is neutral and non-polar, at codon 364 of the AKT2 protein (p.Met364Val). In summary, the available evidence is currently insufficient to determine the role of this variant in disease. Therefore, it has been classified as a Variant of Uncertain Significance. Algorithms developed to predict the effect of missense changes on protein structure and function are either unavailable or do not agree on the potential impact of this missense change (SIFT: "Deleterious"; PolyPhen-2: "Benign"; Align-GVGD: "Class C15"). This variant has not been reported in the literature in individuals affected with AKT2-related conditions. This variant is not present in population databases (gnomAD no frequency).